The following is an entry in ClinVar:

ClinVar aggregate classification (germline): Pathogenic (1 of 4 stars; one submission).

Conditions:
Neurofibromatosis, type 1 (NF1). Also called: Peripheral type neurofibromatosis; VON RECKLINGHAUSEN DISEASE; NEUROFIBROMATOSIS, TYPE I, SOMATIC; Neurofibromatosis, type I. Identifiers: Orphanet 636, MedGen C0027831, MONDO:0018975, OMIM 162200. Disease mechanism: loss of function.

Submission:

Labcorp Genetics (formerly Invitae), Labcorp
Classification: Pathogenic for Neurofibromatosis, type 1. Last evaluated: 2019-11-11. Review status: criteria provided, single submitter. Criteria: Invitae Variant Classification Sherloc (09022015). Collection method: clinical testing. Allele origin: germline.
Comment: This sequence change affects a donor splice site in intron 35 of the NF1 gene. It is expected to disrupt RNA splicing and likely results in an absent or disrupted protein product. This variant is not present in population databases (ExAC no frequency). Disruption of this splice site has been observed in individual(s) with neurofibromatosis type I (PMID: 23913538, Invitae). Algorithms developed to predict the effect of sequence changes on RNA splicing suggest that this variant may disrupt the consensus splice site, but this prediction has not been confirmed by published transcriptional studies. Donor and acceptor splice site variants typically lead to a loss of protein function (PMID: 16199547), and loss-of-function variants in NF1 are known to be pathogenic (PMID: 10712197, 23913538). For these reasons, this variant has been classified as Pathogenic.

Literature cited by the submitters: PubMed 23913538; PubMed 16199547; PubMed 10712197.

NM_001042492.3(NF1):c.4835+2T>A

Gene: NF1 (neurofibromin 1; plus strand). Cytogenetic location: 17q11.2.
Variant type: single nucleotide variant.
Coding change: c.4835+2T>A on transcript NM_001042492.3 (MANE Select); the canonical splice donor site of the intron after coding-DNA position 4835, T replaced by A.
Molecular consequence: splice donor variant.
Genome position (GRCh38, 1-based): chr17:31,265,341, T>A. VCF-style: chr17-31265341-T-A. GRCh37 (hg19) VCF-style: chr17-29592359-T-A.
Other names: c.4772+2T>A (NM_000267.4).
Identifiers: ClinVar variation 963576 (VCV000963576.2), dbSNP rs2067767535, ClinGen allele CA399001395.